The following is an entry in ClinVar:

ClinVar aggregate classification (germline): Uncertain significance (1 of 4 stars; one submission).

Conditions:
DICER1-related tumor predisposition. Also called: DICER1-related pleuropulmonary blastoma cancer predisposition syndrome; DICER1 syndrome. Identifiers: Orphanet 284343, MedGen C3839822, MONDO:0100216.

Submission:

Labcorp Genetics (formerly Invitae), Labcorp
Classification: Uncertain significance for DICER1-related tumor predisposition. Last evaluated: 2023-03-07. Review status: criteria provided, single submitter. Criteria: Invitae Variant Classification Sherloc (09022015). Collection method: clinical testing. Allele origin: germline.
Comment: This sequence change falls in intron 25 of the DICER1 gene. It does not directly change the encoded amino acid sequence of the DICER1 protein. It affects a nucleotide within the consensus splice site. This variant is not present in population databases (gnomAD no frequency). This variant has not been reported in the literature in individuals affected with DICER1-related conditions. Variants that disrupt the consensus splice site are a relatively common cause of aberrant splicing (PMID: 17576681, 9536098). Algorithms developed to predict the effect of sequence changes on RNA splicing suggest that this variant is not likely to affect RNA splicing. In summary, the available evidence is currently insufficient to determine the role of this variant in disease. Therefore, it has been classified as a Variant of Uncertain Significance.

Literature cited by the submitters: PubMed 17576681; PubMed 9536098.

NM_177438.3(DICER1):c.5527+5T>C

Gene: DICER1 (dicer 1, ribonuclease III; minus strand). Cytogenetic location: 14q32.13.
Variant type: single nucleotide variant.
Coding change: c.5527+5T>C on transcript NM_177438.3 (MANE Select); 5 bases into the intron after coding-DNA position 5527, T replaced by C.
Molecular consequence: intron variant.
Genome position (GRCh38, 1-based): chr14:95,091,198, A>G on the plus strand (T>C on the coding strand, the complement: DICER1 is on the minus strand). VCF-style: chr14-95091198-A-G. GRCh37 (hg19) VCF-style: chr14-95557535-A-G.
Other names: c.5527+5T>C (NM_001291628.2, NM_030621.4, NM_001395677.1 and 7 more transcripts); c.5122+5T>C (NM_001395690.1, NM_001395687.1, NM_001395689.1 and 1 more transcripts); c.5245+5T>C (NM_001395686.1); c.4960+5T>C (NM_001395691.1); c.3844+5T>C (NM_001395697.1); c.5365-89T>C (NM_001195573.1).
Identifiers: ClinVar variation 2843364 (VCV002843364.3), dbSNP rs2542403240, ClinGen allele CA2739278090.
Genomic context (GRCh38, chr14:95,091,198, plus strand): 5'-ATAATATCTCTGAAGTTGTTTTTAATTTTGTGGGTTTTTTTCTTTCTAAAGGGAGCCAAC[A>G]ATACCTATTAGTGGCCGCATCATGGGATAGTACACCTGCCAGACTGTCTCCAGTGACATC-3'